The following is an entry in ClinVar:

NM_001374828.1(ARID1B):c.1278_1286del (p.Ala431_Ala433del)

Gene: ARID1B (AT-rich interaction domain 1B; plus strand). Cytogenetic location: 6q25.3.
Variant type: Deletion.
Coding change: c.1278_1286del on transcript NM_001374828.1 (MANE Select); coding-DNA positions 1278 to 1286, 9 bases deleted (CGCGGCGGC; older notation c.1278_1286delCGCGGCGGC).
Protein change: p.Ala431_Ala433del.
Molecular consequence: inframe deletion. On other transcripts: inframe indel (3).
Genome position (GRCh38, 1-based): chr6:156,778,958-156,778,966, CGCGGCGGC deleted; deleting any 9 consecutive bases within chr6:156,778,950-156,778,966 gives the same sequence; the c. name uses the placement nearest the transcript's 3' end. VCF-style (leftmost placement, unchanged base first): chr6-156778949-GGCGGCGGCC-G. GRCh37 (hg19) VCF-style: chr6-157100083-GGCGGCGGCC-G.
Other names: c.1029_1037delCGCGGCGGC, p.Ala348_Ala350del (NM_001346813.1, NM_020732.3); c.1278_1286del, p.Ala431_Ala433del (NM_001371656.1, NM_001374820.1, NM_017519.3); c.855_863delCGCGGCGGC, p.Ala290_Ala292del (NM_175863.2).
Identifiers: ClinVar variation 1976844 (VCV001976844.29), dbSNP rs1330318097, ClinGen allele CA571907206.

ClinVar aggregate classification (germline): Likely benign. Review status: criteria provided, multiple submitters, no conflicts (2 of 4 stars). 2 submissions from 2 submitters: Likely benign (2). Last evaluated 2024-01-07.

Submissions (2):

Labcorp Genetics (formerly Invitae), Labcorp
Classification: Likely benign. Last evaluated: 2024-01-07. Review status: criteria provided, single submitter. Criteria: Invitae Variant Classification Sherloc (09022015). Collection method: clinical testing. Allele origin: germline.

CeGaT Center for Human Genetics Tuebingen
Classification: Likely benign. Last evaluated: 2022-09-01. Review status: criteria provided, single submitter. Criteria: CeGaT Center For Human Genetics Tuebingen Variant Classification Criteria Version 2. Collection method: clinical testing. Allele origin: germline. Affected: yes. Observed: 1 variant allele.
Comment: ARID1B: BP3